The following is an entry in ClinVar:

ClinVar aggregate classification (germline): Uncertain significance (1 of 4 stars; one submission).

gnomAD v4.1: 1 of 1,614,178 alleles (0.000062%); highest among the groups gnomAD compares: South Asian, 0.0011%; no homozygotes.

Submission:

Labcorp Genetics (formerly Invitae), Labcorp
Classification: Uncertain significance. Last evaluated: 2022-11-22. Review status: criteria provided, single submitter. Criteria: Invitae Variant Classification Sherloc (09022015). Collection method: clinical testing. Allele origin: germline.
Comment: In summary, the available evidence is currently insufficient to determine the role of this variant in disease. Therefore, it has been classified as a Variant of Uncertain Significance. Algorithms developed to predict the effect of missense changes on protein structure and function output the following: SIFT: "Tolerated"; PolyPhen-2: "Benign"; Align-GVGD: "Class C0". The threonine amino acid residue is found in multiple mammalian species, which suggests that this missense change does not adversely affect protein function. ClinVar contains an entry for this variant (Variation ID: 1499494). This variant has not been reported in the literature in individuals affected with TUB-related conditions. This variant is not present in population databases (gnomAD no frequency). This sequence change replaces alanine, which is neutral and non-polar, with threonine, which is neutral and polar, at codon 408 of the TUB protein (p.Ala408Thr).

NM_177972.3(TUB):c.1057G>A (p.Ala353Thr)

Genes: RIC3 (RIC3 acetylcholine receptor chaperone; minus strand), TUB (TUB bipartite transcription factor; plus strand). Cytogenetic location: 11p15.4.
Variant type: single nucleotide variant.
Coding change: c.1057G>A on transcript NM_177972.3 (MANE Select); coding-DNA position 1057, G replaced by A.
Protein change: p.Ala353Thr; replaces alanine 353 with threonine.
Molecular consequence: missense variant.
Genome position (GRCh38, 1-based): chr11:8,098,816, G>A. VCF-style: chr11-8098816-G-A. GRCh37 (hg19) VCF-style: chr11-8120363-G-A.
Other names: c.1222G>A, p.Ala408Thr (NM_003320.5); short protein forms A353T, A408T.
Identifiers: ClinVar variation 1499494 (VCV001499494.4), dbSNP rs762660510, ClinGen allele CA379570518.